The following is an entry in ClinVar:

ClinVar aggregate classification (germline): Pathogenic (1 of 4 stars; one submission).

Conditions:
Hereditary cancer-predisposing syndrome. Also called: Neoplastic Syndromes, Hereditary; Tumor predisposition; Hereditary neoplastic syndrome; Hereditary Cancer Syndrome. Identifiers: Orphanet 140162, MedGen C0027672, MeSH D009386, MONDO:0015356.

Submission:

Ambry Genetics
Classification: Pathogenic for Hereditary cancer-predisposing syndrome. Last evaluated: 2023-11-16. Review status: criteria provided, single submitter. Criteria: Ambry Variant Classification Scheme 2023. Collection method: clinical testing. Allele origin: germline.
Comment: The c.6810_6811insT pathogenic mutation, located in coding exon 10 of the BRCA2 gene, results from an insertion of one nucleotide at position 6810 to 6811, causing a translational frameshift with a predicted alternate stop codon (p.K2271*). This variant is considered to be rare based on population cohorts in the Genome Aggregation Database (gnomAD). This alteration is expected to result in loss of function by premature protein truncation or nonsense-mediated mRNA decay. As such, this alteration is interpreted as a disease-causing mutation.

NM_000059.4(BRCA2):c.6810_6811insT (p.Lys2271Ter)

Gene: BRCA2 (BRCA2 DNA repair associated; plus strand). Cytogenetic location: 13q13.1.
Variant type: Insertion.
Coding change: c.6810_6811insT on transcript NM_000059.4 (MANE Select); coding-DNA positions 6810 to 6811, T inserted.
Protein change: p.Lys2271Ter; replaces lysine 2271 with a stop codon.
Molecular consequence: nonsense. On other transcripts: non-coding transcript variant (1), intron variant (2).
Genome position: GRCh38 VCF-style: chr13-32341165-A-AT. GRCh37 (hg19) VCF-style: chr13-32915302-A-AT.
Other names: c.6810_6811insT, p.Lys2271Ter (NM_001406719.1, NM_001406720.1); c.1910-3393_1910-3392insT (NM_001406721.1); c.425-3393_425-3392insT (NM_001406722.1); short protein forms K2271*.
Identifiers: ClinVar variation 3228080 (VCV003228080.1), dbSNP rs2548534125, ClinGen allele CA2825002115.
Genomic context (GRCh38, chr13:32,341,165, plus strand): 5'-ACATTCTCTTTTTACATGTCCCGAAAATGAGGAAATGGTTTTGTCAAATTCAAGAATTGG[A>AT]AAAAGAAGAGGAGAGCCCCTTATCTTAGTGGGTAAGTGTTCATTTTTACCTTTCGTGTTG-3'